The following is an entry in ClinVar:

ClinVar aggregate classification (germline): Uncertain significance. Review status: criteria provided, single submitter (1 of 4 stars). 2 submissions from 2 submitters: Uncertain significance (1). 1 of the submissions does not count toward it. Last evaluated 2021-12-07.

Conditions:
MAP1B-related disorder. Also called: MAP1B-related condition.
Periventricular nodular heterotopia 9. Identifiers: MedGen C5394503, MONDO:0030061, OMIM 618918.
Hearing loss, autosomal dominant 83. Also called: Deafness, autosomal dominant 83. Identifiers: MedGen C5676951, MONDO:0030723, OMIM 619808.

gnomAD v4.1: 70 of 1,614,072 alleles (0.0043%); highest among the groups gnomAD compares: Non-Finnish European, 0.0058%; no homozygotes.

Submissions (2):

Department of Pathology and Laboratory Medicine, Sinai Health System
Classification: Uncertain significance for Periventricular nodular heterotopia 9; Hearing loss, autosomal dominant 83. Last evaluated: 2021-12-07. Review status: criteria provided, single submitter. Criteria: ACMG Guidelines, 2015. Collection method: research. Allele origin: germline.

PreventionGenetics, part of Exact Sciences
Classification: Uncertain significance for MAP1B-related condition. Last evaluated: 2024-09-05. Review status: no assertion criteria provided. Collection method: clinical testing. Allele origin: germline. Not counted in ClinVar's aggregate classification.
Comment: The MAP1B c.818C>T variant is predicted to result in the amino acid substitution p.Ala273Val. To our knowledge, this variant has not been reported in the literature. This variant is reported in 0.0053% of alleles in individuals of European (Non-Finnish) descent in gnomAD. At this time, the clinical significance of this variant is uncertain due to the absence of conclusive functional and genetic evidence.

NM_005909.5(MAP1B):c.818C>T (p.Ala273Val)

Gene: MAP1B (microtubule associated protein 1B; plus strand). Cytogenetic location: 5q13.2.
Variant type: single nucleotide variant.
Coding change: c.818C>T on transcript NM_005909.5 (MANE Select); coding-DNA position 818, C replaced by T.
Protein change: p.Ala273Val; replaces alanine 273 with valine.
Molecular consequence: missense variant.
Genome position (GRCh38, 1-based): chr5:72,194,173, C>T. VCF-style: chr5-72194173-C-T. GRCh37 (hg19) VCF-style: chr5-71490000-C-T.
Other names: c.440C>T, p.Ala147Val (NM_001324255.2); short protein forms A147V, A273V.
Identifiers: ClinVar variation 3356857 (VCV003356857.2).
Genomic context (GRCh38, chr5:72,194,173, plus strand): 5'-GATTTCTGAAGCTCTCCAAGCCCTGCTGTTATATTTTTCCAGGAGGGAGGGGCGATTCTG[C>T]CTTGTTTGCAGTGAATGGTTTCAATATGCTCATCAATGGCGGATCAGAGAGAAAATCCTG-3'
Protein context (NP_005900.2, residues 263-283): YIFPGGRGDS[Ala273Val]LFAVNGFNML